The following is an entry in ClinVar:

ClinVar aggregate classification (germline): Pathogenic (1 of 4 stars; one submission).

Submission:

Labcorp Genetics (formerly Invitae), Labcorp
Classification: Pathogenic. Last evaluated: 2021-10-29. Review status: criteria provided, single submitter. Criteria: Invitae Variant Classification Sherloc (09022015). Collection method: clinical testing. Allele origin: germline.
Comment: For these reasons, this variant has been classified as Pathogenic. This variant has not been reported in the literature in individuals affected with SZT2-related conditions. This variant is not present in population databases (gnomAD no frequency). This sequence change creates a premature translational stop signal (p.Glu1757Argfs*3) in the SZT2 gene. It is expected to result in an absent or disrupted protein product. Loss-of-function variants in SZT2 are known to be pathogenic (PMID: 23932106, 27248490, 28556953).

Literature cited by the submitters: PubMed 23932106; PubMed 27248490; PubMed 28556953.

NM_001365999.1(SZT2):c.5440del (p.Glu1814fs)

Gene: SZT2 (SZT2 subunit of KICSTOR complex; plus strand). Cytogenetic location: 1p34.2.
Variant type: Deletion.
Coding change: c.5440del on transcript NM_001365999.1 (MANE Select); coding-DNA position 5440, one base deleted (G; older notation c.5440delG).
Protein change: p.Glu1814fs; shifts the reading frame from glutamic acid 1814.
Molecular consequence: frameshift variant.
Genome position (GRCh38, 1-based): chr1:43,432,437, G deleted; the last of 4 consecutive G bases (chr1:43,432,434-43,432,437); deleting any one gives the same sequence. VCF-style (leftmost placement, unchanged base first): chr1-43432433-AG-A. GRCh37 (hg19) VCF-style: chr1-43898104-AG-A.
Other names: c.5269del, p.Glu1757fs (NM_015284.4); short protein forms E1757fs, E1814fs.
Identifiers: ClinVar variation 1440658 (VCV001440658.6), dbSNP rs2153934176, ClinGen allele CA2573132377.